The following is an entry in ClinVar:

ClinVar aggregate classification (germline): Uncertain significance (1 of 4 stars; one submission).

Conditions:
Hereditary cancer-predisposing syndrome. Also called: Neoplastic Syndromes, Hereditary; Hereditary neoplastic syndrome; Tumor predisposition; Hereditary Cancer Syndrome. Identifiers: Orphanet 140162, MedGen C0027672, MeSH D009386, MONDO:0015356.

gnomAD v4.1: 2 of 1,599,652 alleles (0.00013%); highest among the groups gnomAD compares: South Asian, 0.0011%; no homozygotes.

Submission:

Ambry Genetics
Classification: Uncertain significance for Hereditary cancer-predisposing syndrome. Last evaluated: 2026-02-17. Review status: criteria provided, single submitter. Criteria: Ambry Variant Classification Scheme 2023. Collection method: clinical testing. Allele origin: germline.
Comment: The p.A34P variant (also known as c.100G>C), located in coding exon 1 of the ALK gene, results from a G to C substitution at nucleotide position 100. The alanine at codon 34 is replaced by proline, an amino acid with highly similar properties. This amino acid position is conserved. In addition, this alteration is predicted to be tolerated by in silico analysis. Based on the available evidence, the clinical significance of this variant remains unclear.

NM_004304.5(ALK):c.100G>C (p.Ala34Pro)

Gene: ALK (ALK receptor tyrosine kinase; minus strand). Cytogenetic location: 2p23.1.
Variant type: single nucleotide variant.
Coding change: c.100G>C on transcript NM_004304.5 (MANE Select); coding-DNA position 100, G replaced by C.
Protein change: p.Ala34Pro; replaces alanine 34 with proline.
Molecular consequence: missense variant.
Genome position (GRCh38, 1-based): chr2:29,920,560, C>G on the plus strand (G>C on the coding strand, the complement: ALK is on the minus strand). VCF-style: chr2-29920560-C-G. GRCh37 (hg19) VCF-style: chr2-30143426-C-G.
Other names: short protein forms A34P.
Identifiers: ClinVar variation 4824830 (VCV004824830.1).